The following is an entry in ClinVar:

ClinVar aggregate classification (germline): Uncertain significance (1 of 4 stars; one submission).

Conditions:
Nephronophthisis 16 (NPHP16). Identifiers: Orphanet 655, MedGen C3809320, MONDO:0014158, OMIM 615382.

Allele frequency attached by ClinVar (database versions not stated): gnomAD 0.00005; TOPMed 0.00007; ExAC 0.00002; gnomAD exomes 0.00001; ESP Exome Variant Server 0.00023.
gnomAD v4.1: 20 of 1,606,038 alleles (0.0012%); highest among the groups gnomAD compares: African/African-American, 0.013%; no homozygotes.

Submission:

Labcorp Genetics (formerly Invitae), Labcorp
Classification: Uncertain significance for Nephronophthisis 16. Last evaluated: 2022-06-24. Review status: criteria provided, single submitter. Criteria: Invitae Variant Classification Sherloc (09022015). Collection method: clinical testing. Allele origin: germline.
Comment: This variant has not been reported in the literature in individuals affected with ANKS6-related conditions. Algorithms developed to predict the effect of missense changes on protein structure and function are either unavailable or do not agree on the potential impact of this missense change (SIFT: "Deleterious"; PolyPhen-2: "Probably Damaging"; Align-GVGD: "Class C15"). In summary, the available evidence is currently insufficient to determine the role of this variant in disease. Therefore, it has been classified as a Variant of Uncertain Significance. This sequence change replaces threonine, which is neutral and polar, with methionine, which is neutral and non-polar, at codon 328 of the ANKS6 protein (p.Thr328Met). The frequency data for this variant in the population databases is considered unreliable, as metrics indicate poor data quality at this position in the gnomAD database.

NM_173551.5(ANKS6):c.983C>T (p.Thr328Met)

Gene: ANKS6 (ankyrin repeat and sterile alpha motif domain containing 6; minus strand). Cytogenetic location: 9q22.33.
Variant type: single nucleotide variant.
Coding change: c.983C>T on transcript NM_173551.5 (MANE Select); coding-DNA position 983, C replaced by T.
Protein change: p.Thr328Met; replaces threonine 328 with methionine.
Molecular consequence: missense variant.
Genome position (GRCh38, 1-based): chr9:98,784,082, G>A on the plus strand (C>T on the coding strand, the complement: ANKS6 is on the minus strand). VCF-style: chr9-98784082-G-A. GRCh37 (hg19) VCF-style: chr9-101546364-G-A.
Other names: short protein forms T328M.
Identifiers: ClinVar variation 2079690 (VCV002079690.4), dbSNP rs371131605, ClinGen allele CA5153661.